The following is an entry in ClinVar:

ClinVar aggregate classification (germline): Likely benign. Review status: criteria provided, multiple submitters, no conflicts (2 of 4 stars). 9 submissions from 9 submitters: Likely benign (7). 2 of the submissions do not count toward it. Last evaluated 2026-09-01.

Conditions:
CACNA1C-related disorder. Also called: CACNA1C-related disorders; CACNA1C-related condition. Identifiers: MedGen CN381092, MONDO:0700321.
Cardiovascular phenotype. Identifiers: MedGen CN230736.
Long QT syndrome (LQTS). Identifiers: MedGen C0023976, MeSH D008133, MONDO:0002442. Disease mechanism: loss of function. Inheritance: Various modes of inheritance.

Allele frequency attached by ClinVar (database versions not stated): ESP Exome Variant Server 0.00008; 1000 Genomes Project 30x 0.00016; gnomAD 0.00016 and 0.00018; 1000 Genomes Project 0.00020; gnomAD exomes 0.00021 and 0.00027; TOPMed 0.00023; ExAC 0.00068.
gnomAD v4.1: 337 of 1,591,000 alleles (0.021%); highest among the groups gnomAD compares: Middle Eastern, 0.49%; 1 homozygote.

Submissions (9):

CeGaT Center for Human Genetics Tuebingen
Classification: Likely benign. Last evaluated: 2026-09-01. Review status: criteria provided, single submitter. Criteria: CeGaT Center For Human Genetics Tuebingen Variant Classification Criteria Version 2. Collection method: clinical testing. Allele origin: germline. Affected: yes. Observed: 6 variant alleles.
Comment: CACNA1C: BS2

PreventionGenetics, part of Exact Sciences
Classification: Likely benign for CACNA1C-related condition. Last evaluated: 2026-08-17. Review status: criteria provided, single submitter. Criteria: ACMG Guidelines, 2015. Collection method: clinical testing. Allele origin: germline.
Comment: This variant is classified as likely benign based on ACMG/AMP sequence variant interpretation guidelines (Richards et al. 2015 PMID: 25741868, with internal and published modifications).

Labcorp Genetics (formerly Invitae), Labcorp
Classification: Likely benign for Long QT syndrome. Last evaluated: 2026-01-12. Review status: criteria provided, single submitter. Criteria: Invitae Variant Classification Sherloc (09022015). Collection method: clinical testing. Allele origin: germline.

Molecular Diagnostic Laboratory for Inherited Cardiovascular Disease, Montreal Heart Institute
Classification: Likely benign. Last evaluated: 2025-04-09. Review status: criteria provided, single submitter. Criteria: ACMG Guidelines, 2015. Collection method: clinical testing. Allele origin: germline. Affected: no.

Blueprint Genetics
Classification: Likely benign. Last evaluated: 2024-11-27. Review status: criteria provided, single submitter. Criteria: ACMG Guidelines, 2015. Collection method: clinical testing. Allele origin: germline.

Ambry Genetics
Classification: Likely benign for Cardiovascular phenotype. Last evaluated: 2019-05-10. Review status: criteria provided, single submitter. Criteria: Ambry Variant Classification Scheme 2023. Collection method: clinical testing. Allele origin: germline.

GeneDx
Classification: Likely benign. Last evaluated: 2018-02-23. Review status: criteria provided, single submitter. Criteria: GeneDx Variant Classification (06012015). Collection method: clinical testing. Allele origin: germline. Affected: yes.
Comment: This variant is considered likely benign or benign based on one or more of the following criteria: it is a conservative change, it occurs at a poorly conserved position in the protein, it is predicted to be benign by multiple in silico algorithms, and/or has population frequency not consistent with disease.

Clinical Genetics DNA and cytogenetics Diagnostics Lab, Erasmus MC, Erasmus Medical Center
Classification: Likely benign. Review status: no assertion criteria provided. Collection method: clinical testing. Allele origin: germline. Affected: yes. Study: VKGL Data-share Consensus. Not counted in ClinVar's aggregate classification.

Clinical Genetics, Academic Medical Center
Classification: Likely benign. Review status: no assertion criteria provided. Collection method: clinical testing. Allele origin: germline. Affected: yes. Study: VKGL Data-share Consensus. Not counted in ClinVar's aggregate classification.

NM_000719.7(CACNA1C):c.5119G>A (p.Val1707Ile)

Genes: CACNA1C (calcium voltage-gated channel subunit alpha1 C; plus strand), CACNA1C-AS1 (CACNA1C antisense RNA 1; minus strand). Cytogenetic location: 12p13.33.
Variant type: single nucleotide variant.
Coding change: c.5119G>A on transcript NM_000719.7 (MANE Select); coding-DNA position 5119, G replaced by A.
Protein change: p.Val1707Ile; replaces valine 1707 with isoleucine.
Molecular consequence: missense variant.
Genome position (GRCh38, 1-based): chr12:2,679,471, G>A. VCF-style: chr12-2679471-G-A. GRCh37 (hg19) VCF-style: chr12-2788637-G-A.
Other names: p.V1707I:GTC>ATC; c.5263G>A, p.Val1755Ile (NM_001129827.2, NM_199460.4); c.5242G>A, p.Val1748Ile (NM_001129829.2); c.5119G>A, p.Val1707Ile (NM_001129830.3, NM_001129840.2, NM_001129841.2 and 4 more transcripts); c.5203G>A, p.Val1735Ile (NM_001129831.2); c.5179G>A, p.Val1727Ile (NM_001129832.2); c.5176G>A, p.Val1726Ile (NM_001129833.2, NM_001129834.2, NM_001129835.2); c.5170G>A, p.Val1724Ile (NM_001129836.2); and 5 more; short protein forms V1707I, V1755I, V1724I, V1713I, V1726I, V1727I, V1735I, V1715I.
Identifiers: ClinVar variation 190621 (VCV000190621.46), dbSNP rs147896322, ClinGen allele CA301140.
Genomic context (GRCh38, chr12:2,679,471, plus strand): 5'-GCTTCTCCACCCACCCCTCCTTCTTGCCTACAGAGGGCCGGTGGCCTGTTCGGCAACCAC[G>A]TCAGCTACTACCAAAGCGACGGCCGGAGCGCCTTCCCCCAGACCTTCACCACTCAGCGCC-3'
Protein context (NP_000710.5, residues 1697-1717): RRAGGLFGNH[Val1707Ile]SYYQSDGRSA